The following is an entry in ClinVar:

NM_021076.4(NEFH):c.1728T>C (p.Ala576=)

Gene: NEFH (neurofilament heavy chain; plus strand). Cytogenetic location: 22q12.2.
Variant type: single nucleotide variant.
Coding change: c.1728T>C on transcript NM_021076.4 (MANE Select); coding-DNA position 1728, T replaced by C.
Protein change: p.Ala576=; no amino-acid change (alanine 576 retained).
Molecular consequence: synonymous variant.
Genome position (GRCh38, 1-based): chr22:29,489,368, T>C. VCF-style: chr22-29489368-T-C. GRCh37 (hg19) VCF-style: chr22-29885357-T-C.
Identifiers: ClinVar variation 2672903 (VCV002672903.23), dbSNP rs1333938705, ClinGen allele CA514269008.

ClinVar aggregate classification (germline): Likely benign (1 of 4 stars; one submission).

Submission:

CeGaT Center for Human Genetics Tuebingen
Classification: Likely benign. Last evaluated: 2023-11-01. Review status: criteria provided, single submitter. Criteria: CeGaT Center For Human Genetics Tuebingen Variant Classification Criteria Version 2. Collection method: clinical testing. Allele origin: germline. Affected: yes. Observed: 1 variant allele.
Comment: NEFH: BP4, BP7